The following is an entry in ClinVar:

NM_018993.4(RIN2):c.769C>A (p.Pro257Thr)

Gene: RIN2 (Ras and Rab interactor 2; plus strand). Cytogenetic location: 20p11.23.
Variant type: single nucleotide variant.
Coding change: c.769C>A on transcript NM_018993.4 (MANE Select); coding-DNA position 769, C replaced by A.
Protein change: p.Pro257Thr; replaces proline 257 with threonine.
Molecular consequence: missense variant.
Genome position (GRCh38, 1-based): chr20:19,974,794, C>A. VCF-style: chr20-19974794-C-A. GRCh37 (hg19) VCF-style: chr20-19955438-C-A.
Other names: c.916C>A, p.Pro306Thr (NM_001242581.2); c.151C>A, p.Pro51Thr (NM_001378238.1); short protein forms P306T, P257T, P51T.
Identifiers: ClinVar variation 2190305 (VCV002190305.4), dbSNP rs770373710, ClinGen allele CA9779926.

ClinVar aggregate classification (germline): Uncertain significance (1 of 4 stars; one submission).

Allele frequency attached by ClinVar (database versions not stated): ExAC 0.00001.
gnomAD v4.1: 1 of 1,614,012 alleles (0.000062%); highest among the groups gnomAD compares: Non-Finnish European, 0.000085%; no homozygotes.

Submission:

Labcorp Genetics (formerly Invitae), Labcorp
Classification: Uncertain significance. Last evaluated: 2025-09-04. Review status: criteria provided, single submitter. Criteria: Invitae Variant Classification Sherloc (09022015). Collection method: clinical testing. Allele origin: germline.
Comment: This sequence change replaces proline, which is neutral and non-polar, with threonine, which is neutral and polar, at codon 257 of the RIN2 protein (p.Pro257Thr). This variant is present in population databases (rs770373710, gnomAD 0.006%). This variant has not been reported in the literature in individuals affected with RIN2-related conditions. ClinVar contains an entry for this variant (Variation ID: 2190305). Experimental studies and prediction algorithms are not available or were not evaluated, and the functional significance of this variant is currently unknown. In summary, the available evidence is currently insufficient to determine the role of this variant in disease. Therefore, it has been classified as a Variant of Uncertain Significance.